The following is an entry in ClinVar:

NM_006245.4(PPP2R5D):c.1696A>G (p.Lys566Glu)

Genes: MEA1 (male-enhanced antigen 1; minus strand), PPP2R5D (protein phosphatase 2 regulatory subunit B'delta; plus strand). Cytogenetic location: 6p21.1.
Variant type: single nucleotide variant.
Coding change: c.1696A>G on transcript NM_006245.4 (MANE Select); coding-DNA position 1696, A replaced by G.
Protein change: p.Lys566Glu; replaces lysine 566 with glutamic acid.
Molecular consequence: missense variant. On other transcripts: 3 prime UTR variant (1).
Genome position (GRCh38, 1-based): chr6:43,011,173, A>G. VCF-style: chr6-43011173-A-G. GRCh37 (hg19) VCF-style: chr6-42978911-A-G.
Other names: c.*1297T>C (NM_014623.4); c.1243A>G, p.Lys415Glu (NM_001270476.2); c.1600A>G, p.Lys534Glu (NM_180976.3); c.1378A>G, p.Lys460Glu (NM_180977.3); short protein forms K534E, K415E, K460E, K566E.
Identifiers: ClinVar variation 3641672 (VCV003641672.2).
Genomic context (GRCh38, chr6:43,011,173, plus strand): 5'-GTCACCATTCCTCACCTTGTCCCTATTCACACACAGATGCTAAAAGACATCAAGAAGGAG[A>G]AAGTGCTGCTGCGGAGGAAGTCGGAGCTGCCCCAGGACGTGTACACCATCAAGGCACTGG-3'
Protein context (NP_006236.1, residues 556-576): VQMLKDIKKE[Lys566Glu]VLLRRKSELP

ClinVar aggregate classification (germline): Uncertain significance (1 of 4 stars; one submission).

gnomAD v4.1: 2 of 1,614,090 alleles (0.00012%); highest among the groups gnomAD compares: Non-Finnish European, 0.000085%; no homozygotes.

Submission:

Labcorp Genetics (formerly Invitae), Labcorp
Classification: Uncertain significance. Last evaluated: 2024-02-17. Review status: criteria provided, single submitter. Criteria: Invitae Variant Classification Sherloc (09022015). Collection method: clinical testing. Allele origin: germline.
Comment: This sequence change replaces lysine, which is basic and polar, with glutamic acid, which is acidic and polar, at codon 566 of the PPP2R5D protein (p.Lys566Glu). This variant is present in population databases (rs772602621, gnomAD 0.003%). This variant has not been reported in the literature in individuals affected with PPP2R5D-related conditions. An algorithm developed to predict the effect of missense changes on protein structure and function (PolyPhen-2) suggests that this variant is likely to be tolerated. In summary, the available evidence is currently insufficient to determine the role of this variant in disease. Therefore, it has been classified as a Variant of Uncertain Significance.